The following is an entry in ClinVar:

NM_001356.5(DDX3X):c.1482T>G (p.Ile494Met)

Gene: DDX3X (DEAD-box helicase 3 X-linked; plus strand). Cytogenetic location: Xp11.4.
Variant type: single nucleotide variant.
Coding change: c.1482T>G on transcript NM_001356.5 (MANE Select); coding-DNA position 1482, T replaced by G.
Protein change: p.Ile494Met; replaces isoleucine 494 with methionine.
Molecular consequence: missense variant. On other transcripts: non-coding transcript variant (1).
Genome position (GRCh38, 1-based): chrX:41,346,395, T>G. VCF-style: chrX-41346395-T-G. GRCh37 (hg19) VCF-style: chrX-41205648-T-G.
Other names: c.1482T>G, p.Ile494Met (NM_001193416.3); c.1434T>G, p.Ile478Met (NM_001193417.3); c.924T>G, p.Ile308Met (NM_001363819.1); short protein forms I308M, I478M, I494M.
Identifiers: ClinVar variation 4852608 (VCV004852608.2).
Genomic context (GRCh38, chrX:41,346,395, plus strand): 5'-CCGTTCTCAGAGGGATAGAGAAGAGGCCCTTCACCAGTTCCGCTCAGGAAAAAGCCCAAT[T>G]TTAGTGGCTACAGCAGTATGTATAAACATCTTTCTTTTATTCAAATTGAGCATGTTCAAG-3'
Protein context (NP_001347.3, residues 484-504): LHQFRSGKSP[Ile494Met]LVATAVAARG

ClinVar aggregate classification (germline): Likely pathogenic (1 of 4 stars; one submission).

Submission:

Dasa
Classification: Likely pathogenic. Last evaluated: 2024-11-07. Review status: criteria provided, single submitter. Criteria: DASA Assertion Criteria. Collection method: clinical testing. Allele origin: germline.
Comment: NM_001356.5(DDX3X):c.1482T>G (p.Ile494Met) is a missense variant that results in the substitution of isoleucine with methionine. The affected residue or protein region has prior evidence supporting clinical relevance. This variant is absent from population databases. Based on the currently available evidence, this variant is classified as likely pathogenic.